The following is an entry in ClinVar:

NM_000540.3(RYR1):c.11382C>G (p.Ser3794=)

Gene: RYR1 (ryanodine receptor 1; plus strand). Cytogenetic location: 19q13.2.
Variant type: single nucleotide variant.
Coding change: c.11382C>G on transcript NM_000540.3 (MANE Select); coding-DNA position 11382, C replaced by G.
Protein change: p.Ser3794=; no amino-acid change (serine 3794 retained).
Molecular consequence: synonymous variant.
Genome position (GRCh38, 1-based): chr19:38,535,163, C>G. VCF-style: chr19-38535163-C-G. GRCh37 (hg19) VCF-style: chr19-39025803-C-G.
Other names: c.11367C>G, p.Ser3789= (NM_001042723.2).
Identifiers: ClinVar variation 3385556 (VCV003385556.1).

ClinVar aggregate classification (germline): Likely benign (1 of 4 stars; one submission).

Conditions:
Malignant hyperthermia, susceptibility to, 1 (MHS1). Also called: Anesthesia related hyperthermia; Malignant hyperpyrexia; Fulminating hyperpyrexia; Pharmacogenic myopathy; Malignant hyperthermia suceptibility 1; RYR1-Related Malignant Hyperthermia Susceptibility. Identifiers: Orphanet 423, MedGen C2930980, MONDO:0007783, OMIM 145600.

Submission:

All of Us Research Program, National Institutes of Health
Classification: Likely benign for Malignant hyperthermia, susceptibility to, 1. Last evaluated: 2024-05-30. Review status: criteria provided, single submitter. Criteria: ACMG Guidelines, 2015. Collection method: clinical testing. Allele origin: germline. Inheritance: Autosomal dominant inheritance. Observed: 1 variant allele, 1 heterozygote.
Comment: This study involves interpretation of variants in research participants for the purpose of population health screening. Participant phenotype was not available at the time of variant classification. Additional details can be found in publication PMID: 35346344, PMCID: PMC8962531